The following is an entry in ClinVar:

ClinVar aggregate classification (germline): Conflicting classifications of pathogenicity. Review status: criteria provided, conflicting classifications (1 of 4 stars). 5 submissions from 5 submitters: Uncertain significance (1); Benign (1); Likely benign (3). Last evaluated 2026-02-02.

Conditions:
Tuberous sclerosis 2 (TSC2). Identifiers: Orphanet 805, MedGen C1860707, MONDO:0013199, OMIM 613254.

Allele frequency attached by ClinVar (database versions not stated): gnomAD 0.00002; gnomAD exomes 0.00003; TOPMed 0.00003; ExAC 0.00004; ESP Exome Variant Server 0.00008.

Submissions (5):

Labcorp Genetics (formerly Invitae), Labcorp
Classification: Benign for Tuberous sclerosis 2. Last evaluated: 2026-02-02. Review status: criteria provided, single submitter. Criteria: Invitae Variant Classification Sherloc (09022015). Collection method: clinical testing. Allele origin: germline.

Myriad Genetics, Inc.
Classification: Likely benign for Tuberous sclerosis 2. Last evaluated: 2025-05-12. Review status: criteria provided, single submitter. Criteria: Myriad Autosomal Dominant, Autosomal Recessive and X-Linked Classification Criteria (2023). Collection method: clinical testing. Allele origin: unknown.
Comment: This variant is considered likely benign. This variant is intronic and is not expected to impact mRNA splicing.

Genome-Nilou Lab
Classification: Likely benign for Tuberous sclerosis 2. Last evaluated: 2021-11-07. Review status: criteria provided, single submitter. Criteria: ACMG Guidelines, 2015. Collection method: clinical testing. Allele origin: germline. Affected: no.

GeneDx
Classification: Likely benign. Last evaluated: 2018-02-27. Review status: criteria provided, single submitter. Criteria: GeneDx Variant Classification (06012015). Collection method: clinical testing. Allele origin: germline. Affected: yes.
Comment: This variant is considered likely benign or benign based on one or more of the following criteria: it is a conservative change, it occurs at a poorly conserved position in the protein, it is predicted to be benign by multiple in silico algorithms, and/or has population frequency not consistent with disease.

Athena Diagnostics
Classification: Uncertain significance. Last evaluated: 2016-11-28. Review status: criteria provided, single submitter. Criteria: Athena Diagnostics Criteria. Collection method: clinical testing. Allele origin: germline.

NM_000548.5(TSC2):c.975+7C>T

Gene: TSC2 (TSC complex subunit 2; plus strand). Cytogenetic location: 16p13.3.
Variant type: single nucleotide variant.
Coding change: c.975+7C>T on transcript NM_000548.5 (MANE Select); 7 bases into the intron after coding-DNA position 975, C replaced by T.
Molecular consequence: intron variant.
Genome position (GRCh38, 1-based): chr16:2,058,880, C>T. VCF-style: chr16-2058880-C-T. GRCh37 (hg19) VCF-style: chr16-2108881-C-T.
Other names: c.975+7C>T (NM_001114382.3, NM_021055.3, NM_001370405.1 and 3 more transcripts); c.864+7C>T (NM_001318827.2); c.375+7C>T (NM_001318831.2); c.828+7C>T (NM_001318829.2); c.1008+7C>T (NM_001318832.2).
Identifiers: ClinVar variation 381254 (VCV000381254.16), dbSNP rs372463702, ClinGen allele CA056774.
Genomic context (GRCh38, chr16:2,058,880, plus strand): 5'-CGGCTCTATTCTCTCAGGAACTCGCCGACATCTGTGTTGCCATCATTTTACCAGGTAAGG[C>T]GGTTTCTGTGTGCAGTGAGCTGGCAGGAACGGGAGAGCTCCCCTCACGCCTGCCCACCCA-3'